The following is an entry in ClinVar:

NM_001277115.2(DNAH11):c.7622A>G (p.Tyr2541Cys)

Gene: DNAH11 (dynein axonemal heavy chain 11; plus strand). Cytogenetic location: 7p15.3.
Variant type: single nucleotide variant.
Coding change: c.7622A>G on transcript NM_001277115.2 (MANE Select); coding-DNA position 7622, A replaced by G.
Protein change: p.Tyr2541Cys; replaces tyrosine 2541 with cysteine.
Molecular consequence: missense variant.
Genome position (GRCh38, 1-based): chr7:21,735,821, A>G. VCF-style: chr7-21735821-A-G. GRCh37 (hg19) VCF-style: chr7-21775439-A-G.
Other names: short protein forms Y2541C.
Identifiers: ClinVar variation 4773610 (VCV004773610.1).

ClinVar aggregate classification (germline): Uncertain significance (1 of 4 stars; one submission).

Conditions:
Primary ciliary dyskinesia. Also called: Ciliary dyskinesia. Identifiers: Orphanet 244, MedGen C0008780, MONDO:0016575, HP:0012265.

Submission:

Labcorp Genetics (formerly Invitae), Labcorp
Classification: Uncertain significance for Primary ciliary dyskinesia. Last evaluated: 2026-01-06. Review status: criteria provided, single submitter. Criteria: Invitae Variant Classification Sherloc (09022015). Collection method: clinical testing. Allele origin: germline.
Comment: This sequence change replaces tyrosine, which is neutral and polar, with cysteine, which is neutral and slightly polar, at codon 2541 of the DNAH11 protein (p.Tyr2541Cys). This variant is not present in population databases (gnomAD no frequency). This variant has not been reported in the literature in individuals affected with DNAH11-related conditions. Invitae Evidence Modeling of protein sequence and biophysical properties (such as structural, functional, and spatial information, amino acid conservation, physicochemical variation, residue mobility, and thermodynamic stability) indicates that this missense variant is not expected to disrupt DNAH11 protein function with a negative predictive value of 95%. In summary, the available evidence is currently insufficient to determine the role of this variant in disease. Therefore, it has been classified as a Variant of Uncertain Significance.